The following is an entry in ClinVar:

NM_058004.4(PI4KA):c.5484C>T (p.Ser1828=)

Gene: PI4KA (phosphatidylinositol 4-kinase alpha; minus strand). Cytogenetic location: 22q11.21.
Variant type: single nucleotide variant.
Coding change: c.5484C>T on transcript NM_058004.4 (MANE Select); coding-DNA position 5484, C replaced by T.
Protein change: p.Ser1828=; no amino-acid change (serine 1828 retained).
Molecular consequence: synonymous variant.
Genome position (GRCh38, 1-based): chr22:20,713,368, G>A on the plus strand (C>T on the coding strand, the complement: PI4KA is on the minus strand). VCF-style: chr22-20713368-G-A. GRCh37 (hg19) VCF-style: chr22-21067656-G-A.
Other names: c.5391C>T, p.Ser1797= (NM_001362862.2); c.5418C>T, p.Ser1806= (NM_001362863.2).
Identifiers: ClinVar variation 3239024 (VCV003239024.19), dbSNP rs409789.

ClinVar aggregate classification (germline): Likely benign (1 of 4 stars; one submission).

Allele frequency attached by ClinVar (database versions not stated): gnomAD 0.00010; ExAC 0.00026.

Submission:

CeGaT Center for Human Genetics Tuebingen
Classification: Likely benign. Last evaluated: 2026-05-01. Review status: criteria provided, single submitter. Criteria: CeGaT Center For Human Genetics Tuebingen Variant Classification Criteria Version 2. Collection method: clinical testing. Allele origin: germline. Affected: yes. Observed: 6 variant alleles.
Comment: PI4KA: BP4, BP7